The following is an entry in ClinVar:

ClinVar aggregate classification (germline): Uncertain significance. Review status: criteria provided, multiple submitters, no conflicts (2 of 4 stars). 2 submissions from 2 submitters: Uncertain significance (2). Last evaluated 2022-05-27.

Conditions:
Hereditary spastic paraplegia 49 (HSAN9). Also called: NEUROPATHY, HEREDITARY SENSORY AND AUTONOMIC, TYPE IX, WITH DEVELOPMENTAL DELAY; Spastic paraplegia 49, autosomal recessive; TECPR2-Related Hereditary Sensory and Autonomic Neuropathy with Intellectual Disability. Identifiers: Orphanet 320385, MedGen C5190860, MONDO:0014016, OMIM 615031.

Allele frequency attached by ClinVar (database versions not stated): gnomAD exomes below 0.00001.
gnomAD v4.1: 1 of 1,614,240 alleles (0.000062%); highest among the groups gnomAD compares: Admixed American, 0.0017%; no homozygotes.

Submissions (2):

Labcorp Genetics (formerly Invitae), Labcorp
Classification: Uncertain significance for Hereditary spastic paraplegia 49. Last evaluated: 2022-05-27. Review status: criteria provided, single submitter. Criteria: Invitae Variant Classification Sherloc (09022015). Collection method: clinical testing. Allele origin: germline.
Comment: This sequence change replaces isoleucine, which is neutral and non-polar, with valine, which is neutral and non-polar, at codon 175 of the TECPR2 protein (p.Ile175Val). This variant is present in population databases (no rsID available, gnomAD 0.003%). This variant has not been reported in the literature in individuals affected with TECPR2-related conditions. ClinVar contains an entry for this variant (Variation ID: 1163088). Algorithms developed to predict the effect of missense changes on protein structure and function output the following: SIFT: "Tolerated"; PolyPhen-2: "Benign"; Align-GVGD: "Class C0". The valine amino acid residue is found in multiple mammalian species, which suggests that this missense change does not adversely affect protein function. In summary, the available evidence is currently insufficient to determine the role of this variant in disease. Therefore, it has been classified as a Variant of Uncertain Significance.

Mayo Clinic Laboratories, Mayo Clinic
Classification: Uncertain significance. Last evaluated: 2020-01-31. Review status: criteria provided, single submitter. Criteria: ACMG Guidelines, 2015. Collection method: clinical testing. Allele origin: germline. Observed: 1 variant allele.

NM_014844.5(TECPR2):c.523A>G (p.Ile175Val)

Gene: TECPR2 (tectonin beta-propeller repeat containing 2; plus strand). Cytogenetic location: 14q32.31.
Variant type: single nucleotide variant.
Coding change: c.523A>G on transcript NM_014844.5 (MANE Select); coding-DNA position 523, A replaced by G.
Protein change: p.Ile175Val; replaces isoleucine 175 with valine.
Molecular consequence: missense variant.
Genome position (GRCh38, 1-based): chr14:102,414,678, A>G. VCF-style: chr14-102414678-A-G. GRCh37 (hg19) VCF-style: chr14-102881015-A-G.
Other names: c.523A>G, p.Ile175Val (NM_001172631.3); short protein forms I175V.
Identifiers: ClinVar variation 1163088 (VCV001163088.6), dbSNP rs914763987, ClinGen allele CA267045875.